The following is an entry in ClinVar:

NM_001999.4(FBN2):c.6881-107C>T

Gene: FBN2 (fibrillin 2; minus strand). Cytogenetic location: 5q23.3.
Variant type: single nucleotide variant.
Coding change: c.6881-107C>T on transcript NM_001999.4 (MANE Select); 107 bases into the intron before coding-DNA position 6881, C replaced by T.
Molecular consequence: intron variant.
Genome position (GRCh38, 1-based): chr5:128,286,956, G>A on the plus strand (C>T on the coding strand, the complement: FBN2 is on the minus strand). VCF-style: chr5-128286956-G-A. GRCh37 (hg19) VCF-style: chr5-127622648-G-A.
Identifiers: ClinVar variation 675693 (VCV000675693.1), dbSNP rs10070948, ClinGen allele CA127030708.
Genomic context (GRCh38, chr5:128,286,956, plus strand): 5'-TTTAGTACTTTTAAGTCACAGGTGTGGTCTTCTGACACTTAACATGTAATTTTATGGTGG[G>A]ACAGAGAAAGGAGAAGCCCAGCCATTGTCAGCTGTTGGCTATATTCCAGATGTGTAAGTT-3'

ClinVar aggregate classification (germline): Benign (1 of 4 stars; one submission).

Allele frequency attached by ClinVar (database versions not stated): gnomAD 0.04142 and 0.04433; TOPMed 0.04567; 1000 Genomes Project 0.04812; 1000 Genomes Project 30x 0.05231.
gnomAD v4.1: 10,271 of 1,134,444 alleles (0.91%); highest among the groups gnomAD compares: African/African-American, 14%; 692 homozygotes.

Submission:

GeneDx
Classification: Benign. Last evaluated: 2018-06-14. Review status: criteria provided, single submitter. Criteria: GeneDx Variant Classification (06012015). Collection method: clinical testing. Allele origin: germline. Affected: yes.
Comment: This variant is considered likely benign or benign based on one or more of the following criteria: it is a conservative change, it occurs at a poorly conserved position in the protein, it is predicted to be benign by multiple in silico algorithms, and/or has population frequency not consistent with disease.